The following is an entry in ClinVar:

NM_032043.3(BRIP1):c.3025G>C (p.Gly1009Arg)

Gene: BRIP1 (BRCA1 interacting DNA helicase 1; minus strand). Cytogenetic location: 17q23.2.
Variant type: single nucleotide variant.
Coding change: c.3025G>C on transcript NM_032043.3 (MANE Select); coding-DNA position 3025, G replaced by C.
Protein change: p.Gly1009Arg; replaces glycine 1009 with arginine.
Molecular consequence: missense variant.
Genome position (GRCh38, 1-based): chr17:61,684,021, C>G on the plus strand (G>C on the coding strand, the complement: BRIP1 is on the minus strand). VCF-style: chr17-61684021-C-G. GRCh37 (hg19) VCF-style: chr17-59761382-C-G.
Other names: short protein forms G1009R.
Identifiers: ClinVar variation 959917 (VCV000959917.13), dbSNP rs587781328, ClinGen allele CA400479967.

ClinVar aggregate classification (germline): Uncertain significance. Review status: criteria provided, multiple submitters, no conflicts (2 of 4 stars). 2 submissions from 2 submitters: Uncertain significance (2). Last evaluated 2025-11-20.

Conditions:
Familial cancer of breast. Also called: Hereditary breast cancer; BREAST CANCER, FAMILIAL; hereditary breast carcinoma. Identifiers: Orphanet 227535, MedGen C0346153, MONDO:0016419, OMIM 114480. Disease mechanism: loss of function.
Fanconi anemia complementation group J. Also called: BRIP1-Related Fanconi Anemia. Identifiers: Orphanet 84, MedGen C1836860, MONDO:0012187, OMIM 609054.
Hereditary cancer-predisposing syndrome. Also called: Hereditary neoplastic syndrome; Tumor predisposition; Neoplastic Syndromes, Hereditary; Hereditary Cancer Syndrome. Identifiers: Orphanet 140162, MedGen C0027672, MeSH D009386, MONDO:0015356.

gnomAD v4.1: 2 of 1,613,938 alleles (0.00012%); highest among the groups gnomAD compares: South Asian, 0.0011%; no homozygotes.

Submissions (2):

Ambry Genetics
Classification: Uncertain significance for Hereditary cancer-predisposing syndrome. Last evaluated: 2025-11-20. Review status: criteria provided, single submitter. Criteria: Ambry Variant Classification Scheme 2023. Collection method: clinical testing. Allele origin: germline.
Comment: The p.G1009R variant (also known as c.3025G>C), located in coding exon 19 of the BRIP1 gene, results from a G to C substitution at nucleotide position 3025. The glycine at codon 1009 is replaced by arginine, an amino acid with dissimilar properties. This amino acid position is conserved. In addition, this alteration is predicted to be tolerated by in silico analysis. Since supporting evidence is limited at this time, the clinical significance of this alteration remains unclear.

Labcorp Genetics (formerly Invitae), Labcorp
Classification: Uncertain significance for Familial cancer of breast; Fanconi anemia complementation group J. Last evaluated: 2025-01-30. Review status: criteria provided, single submitter. Criteria: Invitae Variant Classification Sherloc (09022015). Collection method: clinical testing. Allele origin: germline.
Comment: This sequence change replaces glycine, which is neutral and non-polar, with arginine, which is basic and polar, at codon 1009 of the BRIP1 protein (p.Gly1009Arg). This variant is not present in population databases (gnomAD no frequency). This variant has not been reported in the literature in individuals affected with BRIP1-related conditions. ClinVar contains an entry for this variant (Variation ID: 959917). Invitae Evidence Modeling of protein sequence and biophysical properties (such as structural, functional, and spatial information, amino acid conservation, physicochemical variation, residue mobility, and thermodynamic stability) indicates that this missense variant is not expected to disrupt BRIP1 protein function with a negative predictive value of 95%. In summary, the available evidence is currently insufficient to determine the role of this variant in disease. Therefore, it has been classified as a Variant of Uncertain Significance.